The following is an entry in ClinVar:

ClinVar aggregate classification (germline): Pathogenic (1 of 4 stars; one submission).

Conditions:
Renal hypodysplasia/aplasia 1 (RHDA1). Also called: HEREDITARY RENAL APLASIA; RENAL APLASIA. Identifiers: Orphanet 411709, MedGen C1619700, MONDO:0024519, OMIM 191830.

Submission:

Gharavi Laboratory, Columbia University
Classification: Pathogenic for Renal hypodysplasia/aplasia 1. Last evaluated: 2024-11-05. Review status: criteria provided, single submitter. Criteria: ACMG Guidelines, 2015. Collection method: case-control. Allele origin: germline. Affected: yes.
Comment: Compound heterozygote with NM_003638.3:c.1219G>A

ENST00000378076

NM_003638.3(ITGA8):c.467G>A (p.Trp156Ter)

Gene: ITGA8 (integrin subunit alpha 8; minus strand). Cytogenetic location: 10p13.
Variant type: single nucleotide variant.
Coding change: c.467G>A on transcript NM_003638.3 (MANE Select); coding-DNA position 467, G replaced by A.
Protein change: p.Trp156Ter; replaces tryptophan 156 with a stop codon.
Molecular consequence: nonsense.
Genome position (GRCh38, 1-based): chr10:15,684,105, C>T on the plus strand (G>A on the coding strand, the complement: ITGA8 is on the minus strand). VCF-style: chr10-15684105-C-T. GRCh37 (hg19) VCF-style: chr10-15726104-C-T.
Other names: c.467G>A, p.Trp156Ter (NM_001291494.2); short protein forms W156*.
Identifiers: ClinVar variation 3900017 (VCV003900017.1).
Genomic context (GRCh38, chr10:15,684,105, plus strand): 5'-TGAATTGCTACATAGCAGGTGCCAACTGGGTCCTTTTCTGGTGTCGGTTTAAGAGTTCTC[C>T]AGTGATATAAAGGAGCACAGGCCTAGGAAACATCAAAGACAAAAAAATACATTTTTGATG-3'